The following is an entry in ClinVar:

ClinVar aggregate classification (germline): Uncertain significance. Review status: criteria provided, multiple submitters, no conflicts (2 of 4 stars). 2 submissions from 2 submitters: Uncertain significance (2). Last evaluated 2025-05-23.

Conditions:
Multiple endocrine neoplasia, type 1 (MEN1). Also called: MEN I; WERMER SYNDROME; Endocrine adenomatosis multiple; MEN 1; MEA I. Identifiers: Orphanet 652, MedGen C0025267, MeSH D018761, MONDO:0007540, OMIM 131100.
Hereditary cancer-predisposing syndrome. Also called: Hereditary Cancer Syndrome; Hereditary neoplastic syndrome; Neoplastic Syndromes, Hereditary; Tumor predisposition. Identifiers: Orphanet 140162, MedGen C0027672, MeSH D009386, MONDO:0015356.

Submissions (2):

Ambry Genetics
Classification: Uncertain significance for Hereditary cancer-predisposing syndrome. Last evaluated: 2025-05-23. Review status: criteria provided, single submitter. Criteria: Ambry Variant Classification Scheme 2023. Collection method: clinical testing. Allele origin: germline.
Comment: The p.A467D variant (also known as c.1400C>A), located in coding exon 9 of the MEN1 gene, results from a C to A substitution at nucleotide position 1400. The alanine at codon 467 is replaced by aspartic acid, an amino acid with dissimilar properties. This amino acid position is conserved. In addition, this alteration is predicted to be tolerated by in silico analysis. Based on the available evidence, the clinical significance of this variant remains unclear.

Labcorp Genetics (formerly Invitae), Labcorp
Classification: Uncertain significance for Multiple endocrine neoplasia, type 1. Last evaluated: 2024-08-31. Review status: criteria provided, single submitter. Criteria: Invitae Variant Classification Sherloc (09022015). Collection method: clinical testing. Allele origin: germline.
Comment: This sequence change replaces alanine, which is neutral and non-polar, with aspartic acid, which is acidic and polar, at codon 467 of the MEN1 protein (p.Ala467Asp). This variant is not present in population databases (gnomAD no frequency). This variant has not been reported in the literature in individuals affected with MEN1-related conditions. Invitae Evidence Modeling of protein sequence and biophysical properties (such as structural, functional, and spatial information, amino acid conservation, physicochemical variation, residue mobility, and thermodynamic stability) indicates that this missense variant is not expected to disrupt MEN1 protein function with a negative predictive value of 95%. In summary, the available evidence is currently insufficient to determine the role of this variant in disease. Therefore, it has been classified as a Variant of Uncertain Significance.

NM_001370259.2(MEN1):c.1400C>A (p.Ala467Asp)

Gene: MEN1 (menin 1; minus strand). Cytogenetic location: 11q13.1.
Variant type: single nucleotide variant.
Coding change: c.1400C>A on transcript NM_001370259.2 (MANE Select); coding-DNA position 1400, C replaced by A.
Protein change: p.Ala467Asp; replaces alanine 467 with aspartic acid.
Molecular consequence: missense variant. On other transcripts: non-coding transcript variant (4).
Genome position (GRCh38, 1-based): chr11:64,804,767, G>T on the plus strand (C>A on the coding strand, the complement: MEN1 is on the minus strand). VCF-style: chr11-64804767-G-T. GRCh37 (hg19) VCF-style: chr11-64572239-G-T.
Other names: c.1415C>A, p.Ala472Asp (NM_130803.3, NM_130804.3, NM_130800.3 and 4 more transcripts); c.1400C>A, p.Ala467Asp (NM_130799.3, NM_001370260.2, NM_001370261.2 and 2 more transcripts); c.1526C>A, p.Ala509Asp (NM_001370251.2, NM_001407142.1, NM_001407143.1 and 1 more transcripts); c.1295C>A, p.Ala432Asp (NM_001370262.2, NM_001370263.2, NM_001407148.1 and 1 more transcripts); c.1541C>A, p.Ala514Asp (NM_001407150.1); c.1421C>A, p.Ala474Asp (NM_001407151.1); c.1235C>A, p.Ala412Asp (NM_001407152.1); short protein forms A432D, A509D, A412D, A467D, A472D, A474D, A514D.
Identifiers: ClinVar variation 3634190 (VCV003634190.3).